The following is an entry in ClinVar:

ClinVar aggregate classification (germline): Conflicting classifications of pathogenicity. Review status: criteria provided, conflicting classifications (1 of 4 stars). 4 submissions from 3 submitters: Uncertain significance (1); Likely benign (3). Last evaluated 2025-12-01.

Conditions:
Autosomal recessive Robinow syndrome (RRS1). Also called: ROR2-Related Robinow Syndrome; COSTOVERTEBRAL SEGMENTATION DEFECT WITH MESOMELIA; COVESDEM SYNDROME; ROBINOW SYNDROME, AUTOSOMAL RECESSIVE 1. Identifiers: Orphanet 1507, Orphanet 97360, MedGen C5399974, MONDO:0009999, OMIM 268310.
ROR2-related disorder. Also called: ROR2-related condition; ROR2-related disorders.
Brachydactyly type B1 (BDB1). Identifiers: Orphanet 572385, Orphanet 93383, MedGen C1862112, MONDO:0007220, OMIM 113000.

Allele frequency attached by ClinVar (database versions not stated): ExAC 0.00007; gnomAD exomes 0.00009 and 0.00021; TOPMed 0.00011; gnomAD 0.00013 and 0.00015; ESP Exome Variant Server 0.00015.
gnomAD v4.1: 320 of 1,614,072 alleles (0.02%); highest among the groups gnomAD compares: Non-Finnish European, 0.025%; no homozygotes.

Submissions (4):

PreventionGenetics, part of Exact Sciences
Classification: Likely benign for ROR2-related condition. Last evaluated: 2025-12-01. Review status: criteria provided, single submitter. Criteria: ACMG Guidelines, 2015. Collection method: clinical testing. Allele origin: germline.
Comment: This variant is classified as likely benign based on ACMG/AMP sequence variant interpretation guidelines (Richards et al. 2015 PMID: 25741868, with internal and published modifications).

Labcorp Genetics (formerly Invitae), Labcorp
Classification: Likely benign. Last evaluated: 2025-05-30. Review status: criteria provided, single submitter. Criteria: Invitae Variant Classification Sherloc (09022015). Collection method: clinical testing. Allele origin: germline.

Illumina Laboratory Services, Illumina
Classification: Likely benign for Brachydactyly type B1. Last evaluated: 2018-01-12. Review status: criteria provided, single submitter. Criteria: ICSL Variant Classification Criteria 13 December 2019. Collection method: clinical testing. Allele origin: germline.
Comment: This variant was observed in the ICSL laboratory as part of a predisposition screen in an ostensibly healthy population. It had not been previously curated by ICSL or reported in the Human Gene Mutation Database (HGMD: prior to June 1st, 2018), and was therefore a candidate for classification through an automated scoring system. Utilizing variant allele frequency, disease prevalence and penetrance estimates, and inheritance mode, an automated score was calculated to assess if this variant is too frequent to cause the disease. Based on the score and internal cut-off values, a variant classified as likely benign is not then subjected to further curation. The score for this variant resulted in a classification of likely benign for this disease.

Illumina Laboratory Services, Illumina
Classification: Uncertain significance for Autosomal recessive Robinow syndrome. Last evaluated: 2018-01-12. Review status: criteria provided, single submitter. Criteria: ICSL Variant Classification Criteria 13 December 2019. Collection method: clinical testing. Allele origin: germline.

NM_004560.4(ROR2):c.1956G>A (p.Ser652=)

Gene: ROR2 (ROR family WNT receptor 2; minus strand). Cytogenetic location: 9q22.31.
Variant type: single nucleotide variant.
Coding change: c.1956G>A on transcript NM_004560.4 (MANE Select); coding-DNA position 1956, G replaced by A.
Protein change: p.Ser652=; no amino-acid change (serine 652 retained).
Molecular consequence: synonymous variant.
Genome position (GRCh38, 1-based): chr9:91,724,538, C>T on the plus strand (G>A on the coding strand, the complement: ROR2 is on the minus strand). VCF-style: chr9-91724538-C-T. GRCh37 (hg19) VCF-style: chr9-94486820-C-T.
Identifiers: ClinVar variation 914330 (VCV000914330.9), dbSNP rs374939956, ClinGen allele CA5120522.
Genomic context (GRCh38, chr9:91,724,538, plus strand): 5'-GTCGATGGAGAACTTGCCGTACATGATGGCCTCTGGGGCCATCCAGCGGATAGGCAGCAG[C>T]GAGTTCCCCAGCAGCTTGTAGTAATCGGCGGCATACACCTCTCGGAAGAGGCCCAAGTCT-3'
Protein context (NP_004551.2, residues 642-662): AADYYKLLGN[Ser652=]LLPIRWMAPE